The following is an entry in ClinVar:

NM_001270.4(CHD1):c.3788T>C (p.Ile1263Thr)

Gene: CHD1 (chromodomain helicase DNA binding protein 1; minus strand). Cytogenetic location: 5q15.
Variant type: single nucleotide variant.
Coding change: c.3788T>C on transcript NM_001270.4 (MANE Select); coding-DNA position 3788, T replaced by C.
Protein change: p.Ile1263Thr; replaces isoleucine 1263 with threonine.
Molecular consequence: missense variant. On other transcripts: non-coding transcript variant (2).
Genome position (GRCh38, 1-based): chr5:98,872,124, A>G on the plus strand (T>C on the coding strand, the complement: CHD1 is on the minus strand). VCF-style: chr5-98872124-A-G. GRCh37 (hg19) VCF-style: chr5-98207828-A-G.
Other names: c.3788T>C, p.Ile1263Thr (NM_001364113.3, NM_001376194.2); short protein forms I1263T.
Identifiers: ClinVar variation 1306295 (VCV001306295.2), dbSNP rs1580381282, ClinGen allele CA360522943.
Genomic context (GRCh38, chr5:98,872,124, plus strand): 5'-CTGAGGTCAGGATCCATTTTAATCATTTCCCAGCTTCCATATCCATATTCATAGATGCCA[A>G]TTAACAAATTGGAATCATCTTCTTTGCCCCAGTCTATATCAAAATGAGCTGCCTTTGTGT-3'
Protein context (NP_001261.2, residues 1253-1273): WGKEDDSNLL[Ile1263Thr]GIYEYGYGSW

ClinVar aggregate classification (germline): Uncertain significance (1 of 4 stars; one submission).

Allele frequency attached by ClinVar (database versions not stated): gnomAD exomes below 0.00001.
gnomAD v4.1: 2 of 1,613,664 alleles (0.00012%); highest among the groups gnomAD compares: Non-Finnish European, 0.00017%; no homozygotes.

Submission:

GeneDx
Classification: Uncertain significance. Last evaluated: 2019-06-04. Review status: criteria provided, single submitter. Criteria: GeneDx Variant Classification Process June 2021. Collection method: clinical testing. Allele origin: germline. Affected: yes.
Comment: Not observed in large population cohorts (Lek et al., 2016); In silico analysis, which includes protein predictors and evolutionary conservation, supports that this variant does not alter protein structure/function; Has not been previously published as pathogenic or benign to our knowledge